The following is an entry in ClinVar:

ClinVar aggregate classification (germline): Uncertain significance (1 of 4 stars; one submission).

gnomAD v4.1: 2 of 761,684 alleles (0.00026%); highest among the groups gnomAD compares: Non-Finnish European, 0.00035%; no homozygotes.

Submission:

Women's Health and Genetics/Laboratory Corporation of America, LabCorp
Classification: Uncertain significance. Last evaluated: 2025-04-04. Review status: criteria provided, single submitter. Criteria: LabCorp Variant Classification Summary - May 2015. Collection method: clinical testing. Allele origin: germline.
Comment: Variant summary: BRD4 c.2918A>G (p.Gln973Arg) results in a conservative amino acid change in the encoded protein sequence. Three of three in-silico tools predict a benign effect of the variant on protein function. The variant was absent in 13776 control chromosomes. The available data on variant occurrences in the general population are insufficient to allow any conclusion about variant significance. To our knowledge, no occurrence of c.2918A>G in individuals affected with Cornelia De Lange Syndrome 6 and no experimental evidence demonstrating its impact on protein function have been reported. No submitters have cited clinical-significance assessments for this variant to ClinVar. Based on the evidence outlined above, the variant was classified as uncertain significance.

NM_001379291.1(BRD4):c.2918A>G (p.Gln973Arg)

Gene: BRD4 (bromodomain containing 4; minus strand). Cytogenetic location: 19p13.12.
Variant type: single nucleotide variant.
Coding change: c.2918A>G on transcript NM_001379291.1 (MANE Select); coding-DNA position 2918, A replaced by G.
Protein change: p.Gln973Arg; replaces glutamine 973 with arginine.
Molecular consequence: missense variant.
Genome position (GRCh38, 1-based): chr19:15,243,151, T>C on the plus strand (A>G on the coding strand, the complement: BRD4 is on the minus strand). VCF-style: chr19-15243151-T-C. GRCh37 (hg19) VCF-style: chr19-15353962-T-C.
Other names: c.2918A>G, p.Gln973Arg (NM_058243.3); short protein forms Q973R.
Identifiers: ClinVar variation 3896475 (VCV003896475.2).
Genomic context (GRCh38, chr19:15,243,151, plus strand): 5'-GGGGGCTGATGCTGCTGCTGGGGTGGAGGCTGGGGCTGGGGTGGTGGGGGTGGTGGCGGC[T>C]GCTGCTGCAGCTGCTGCTGCACAGAGGGGTGGGGTGGGGGCGGCAGGGGGGGTGGGGGCT-3'
Protein context (NP_001366220.1, residues 963-983): HPSVQQQLQQ[Gln973Arg]PPPPPPPQPQ